The following is an entry in ClinVar:

ClinVar aggregate classification (germline): Uncertain significance. Review status: criteria provided, single submitter (1 of 4 stars). 2 submissions from 2 submitters: Uncertain significance (1). 1 of the submissions does not count toward it. Last evaluated 2025-02-13.

Conditions:
Inborn genetic diseases. Identifiers: MedGen C0950123, MeSH D030342.
PCNT-related disorder. Also called: PCNT-related condition.

Allele frequency attached by ClinVar (database versions not stated): ExAC 0.00002; TOPMed 0.00002; gnomAD 0.00003; gnomAD exomes 0.00004.
gnomAD v4.1: 68 of 1,613,884 alleles (0.0042%); highest among the groups gnomAD compares: African/African-American, 0.0053%; no homozygotes.

Submissions (2):

Ambry Genetics
Classification: Uncertain significance for Inborn genetic diseases. Last evaluated: 2025-02-13. Review status: criteria provided, single submitter. Criteria: Ambry Variant Classification Scheme 2023. Collection method: clinical testing. Allele origin: germline.

PreventionGenetics, part of Exact Sciences
Classification: Uncertain significance for PCNT-related condition. Last evaluated: 2024-06-17. Review status: no assertion criteria provided. Collection method: clinical testing. Allele origin: germline. Not counted in ClinVar's aggregate classification.
Comment: The PCNT c.7270C>T variant is predicted to result in the amino acid substitution p.Arg2424Trp. To our knowledge, this variant has not been reported in the literature. This variant is reported in 0.0056% of alleles in individuals of Latino descent in gnomAD. At this time, the clinical significance of this variant is uncertain due to the absence of conclusive functional and genetic evidence.

NM_006031.6(PCNT):c.7270C>T (p.Arg2424Trp)

Gene: PCNT (pericentrin; plus strand). Cytogenetic location: 21q22.3.
Variant type: single nucleotide variant.
Coding change: c.7270C>T on transcript NM_006031.6 (MANE Select); coding-DNA position 7270, C replaced by T.
Protein change: p.Arg2424Trp; replaces arginine 2424 with tryptophan.
Molecular consequence: missense variant.
Genome position (GRCh38, 1-based): chr21:46,425,921, C>T. VCF-style: chr21-46425921-C-T. GRCh37 (hg19) VCF-style: chr21-47845835-C-T.
Other names: c.6916C>T, p.Arg2306Trp (NM_001315529.2); short protein forms R2306W, R2424W.
Identifiers: ClinVar variation 2632877 (VCV002632877.3), dbSNP rs752369549, ClinGen allele CA10080593.